The following is an entry in ClinVar:

NM_001673.5(ASNS):c.858dup (p.Ala287fs)

Genes: ASNS (asparagine synthetase (glutamine-hydrolyzing); minus strand), CZ1P-ASNS (CZ1P-ASNS readthrough; minus strand). Cytogenetic location: 7q21.3.
Variant type: Duplication.
Coding change: c.858dup on transcript NM_001673.5 (MANE Select); coding-DNA position 858, one base duplicated (T; older notation c.858dupT).
Protein change: p.Ala287fs; shifts the reading frame from alanine 287.
Molecular consequence: frameshift variant. On other transcripts: non-coding transcript variant (1).
Genome position (GRCh38, 1-based): chr7:97,858,323, A duplicated on the plus strand (T on the coding strand, the reverse complement: ASNS is on the minus strand); the first of 3 consecutive A bases (chr7:97,858,323-97,858,325); duplicating any one gives the same sequence. VCF-style (leftmost placement, unchanged base first): chr7-97858322-C-CA. GRCh37 (hg19) VCF-style: chr7-97487634-C-CA.
Other names: c.795dup, p.Ala266fs (NM_001178075.2); c.609dup, p.Ala204fs (NM_001178076.2, NM_001178077.1); c.858dup, p.Ala287fs (NM_001352496.2, NM_133436.3, NM_183356.4); short protein forms A266fs, A204fs, A287fs.
Identifiers: ClinVar variation 2835386 (VCV002835386.3), dbSNP rs2484656208, ClinGen allele CA2739277894.

ClinVar aggregate classification (germline): Pathogenic (1 of 4 stars; one submission).

Submission:

Labcorp Genetics (formerly Invitae), Labcorp
Classification: Pathogenic. Last evaluated: 2023-02-08. Review status: criteria provided, single submitter. Criteria: Invitae Variant Classification Sherloc (09022015). Collection method: clinical testing. Allele origin: germline.
Comment: For these reasons, this variant has been classified as Pathogenic. This variant has not been reported in the literature in individuals affected with ASNS-related conditions. This variant is not present in population databases (gnomAD no frequency). This sequence change creates a premature translational stop signal (p.Ala287Cysfs*14) in the ASNS gene. It is expected to result in an absent or disrupted protein product. Loss-of-function variants in ASNS are known to be pathogenic (PMID: 27422383, 30057589).

Literature cited by the submitters: PubMed 27422383; PubMed 30057589.